The following is an entry in ClinVar:

ClinVar aggregate classification (germline): Uncertain significance (1 of 4 stars; one submission).

Conditions:
Hereditary cancer-predisposing syndrome. Also called: Neoplastic Syndromes, Hereditary; Tumor predisposition; Hereditary Cancer Syndrome; Hereditary neoplastic syndrome. Identifiers: Orphanet 140162, MedGen C0027672, MeSH D009386, MONDO:0015356.

Submission:

Ambry Genetics
Classification: Uncertain significance for Hereditary cancer-predisposing syndrome. Last evaluated: 2026-05-27. Review status: criteria provided, single submitter. Criteria: Ambry Variant Classification Scheme 2023. Collection method: clinical testing. Allele origin: germline.
Comment: The p.K607R variant (also known as c.1820A>G), located in coding exon 9 of the BRCA1 gene, results from an A to G substitution at nucleotide position 1820. The lysine at codon 607 is replaced by arginine, an amino acid with highly similar properties. This amino acid position is well conserved in available vertebrate species. In addition, the in silico prediction for this alteration is inconclusive. Based on the available evidence, the clinical significance of this variant remains unclear.

NM_007294.4(BRCA1):c.1820A>G (p.Lys607Arg)

Gene: BRCA1 (BRCA1 DNA repair associated; minus strand). Cytogenetic location: 17q21.31.
Variant type: single nucleotide variant.
Coding change: c.1820A>G on transcript NM_007294.4 (MANE Select); coding-DNA position 1820, A replaced by G.
Protein change: p.Lys607Arg; replaces lysine 607 with arginine.
Molecular consequence: missense variant. On other transcripts: intron variant (137).
Genome position (GRCh38, 1-based): chr17:43,093,711, T>C on the plus strand (A>G on the coding strand, the complement: BRCA1 is on the minus strand). VCF-style: chr17-43093711-T-C. GRCh37 (hg19) VCF-style: chr17-41245728-T-C.
Other names: c.1553A>G, p.Lys518Arg (NM_001407936.1, NM_001407930.1, NM_001407931.1 and 2 more transcripts); c.1697A>G, p.Lys566Arg (NM_001407937.1, NM_001407938.1, NM_001407939.1 and 19 more transcripts); c.1694A>G, p.Lys565Arg (NM_001407940.1, NM_001407941.1, NM_001407685.1 and 11 more transcripts); c.1679A>G, p.Lys560Arg (NM_001407942.1, NM_001407944.1, NM_001407945.1 and 29 more transcripts); c.1676A>G, p.Lys559Arg (NM_001407943.1, NM_001407740.1, NM_001407741.1 and 20 more transcripts); c.784+1033A>G (NM_001408407.1, NM_001408402.1, NM_001408473.1 and 13 more transcripts); c.664+1033A>G (NM_001408443.1, NM_001408439.1, NM_001408425.1 and 12 more transcripts); c.670+2135A>G (NM_001408419.1, NM_001408422.1, NM_001408418.1 and 2 more transcripts); and 40 more; short protein forms K311R, K439R, K479R, K480R, K495R, K496R, K518R, K519R.
Identifiers: ClinVar variation 4867743 (VCV004867743.1).
Genomic context (GRCh38, chr17:43,093,711, plus strand): 5'-ACTACTAGTTCAAGCGCATGAATATGCCTGGTAGAAGACTTCCTCCTCAGCCTATTCTTT[T>C]TAGGTGCTTTTGAATTGTGGATATTTAATTCGAGTTCCATATTGCTTATACTGCTGCTTA-3'
Protein context (NP_009225.1, residues 597-617): ELNIHNSKAP[Lys607Arg]KNRLRRKSST